The following is an entry in ClinVar:

ClinVar aggregate classification (germline): Benign/Likely benign. Review status: criteria provided, multiple submitters, no conflicts (2 of 4 stars). 3 submissions from 3 submitters: Benign (1); Likely benign (2). Last evaluated 2026-09-01.

Allele frequency attached by ClinVar (database versions not stated): 1000 Genomes Project 30x 0.00219; 1000 Genomes Project 0.00240; ESP Exome Variant Server 0.00454; gnomAD 0.00463 and 0.00533; TOPMed 0.00468; ExAC 0.00491; gnomAD exomes 0.00542 and 0.00550.
gnomAD v4.1: 8,808 of 1,614,192 alleles (0.55%); highest among the groups gnomAD compares: Non-Finnish European, 0.56%; 29 homozygotes.

Submissions (3):

CeGaT Center for Human Genetics Tuebingen
Classification: Likely benign. Last evaluated: 2026-09-01. Review status: criteria provided, single submitter. Criteria: CeGaT Center For Human Genetics Tuebingen Variant Classification Criteria Version 2. Collection method: clinical testing. Allele origin: germline. Affected: yes. Observed: 9 variant alleles.
Comment: KATNB1: BP4, BP7, BS2

Labcorp Genetics (formerly Invitae), Labcorp
Classification: Benign. Last evaluated: 2026-01-19. Review status: criteria provided, single submitter. Criteria: Invitae Variant Classification Sherloc (09022015). Collection method: clinical testing. Allele origin: germline.

GeneDx
Classification: Likely benign. Last evaluated: 2021-03-24. Review status: criteria provided, single submitter. Criteria: GeneDx Variant Classification Process June 2021. Collection method: clinical testing. Allele origin: germline. Affected: yes.

NM_005886.3(KATNB1):c.93C>T (p.Ala31=)

Gene: KATNB1 (katanin regulatory subunit B1; plus strand). Cytogenetic location: 16q21.
Variant type: single nucleotide variant.
Coding change: c.93C>T on transcript NM_005886.3 (MANE Select); coding-DNA position 93, C replaced by T.
Protein change: p.Ala31=; no amino-acid change (alanine 31 retained).
Molecular consequence: synonymous variant.
Genome position (GRCh38, 1-based): chr16:57,741,739, C>T. VCF-style: chr16-57741739-C-T. GRCh37 (hg19) VCF-style: chr16-57775651-C-T.
Identifiers: ClinVar variation 712324 (VCV000712324.42), dbSNP rs146372886, ClinGen allele CA8080613.